The following is an entry in ClinVar:

ClinVar aggregate classification (germline): Uncertain significance (1 of 4 stars; one submission).

Conditions:
Hereditary cancer-predisposing syndrome. Also called: Hereditary neoplastic syndrome; Tumor predisposition; Hereditary Cancer Syndrome; Neoplastic Syndromes, Hereditary. Identifiers: Orphanet 140162, MedGen C0027672, MeSH D009386, MONDO:0015356.

gnomAD v4.1: 1 of 1,614,142 alleles (0.000062%); highest among the groups gnomAD compares: East Asian, 0.0022%; no homozygotes.

Submission:

Ambry Genetics
Classification: Uncertain significance for Hereditary cancer-predisposing syndrome. Last evaluated: 2023-06-21. Review status: criteria provided, single submitter. Criteria: Ambry Variant Classification Scheme 2023. Collection method: clinical testing. Allele origin: germline.
Comment: The p.P1281H variant (also known as c.3842C>A), located in coding exon 20 of the DICER1 gene, results from a C to A substitution at nucleotide position 3842. The proline at codon 1281 is replaced by histidine, an amino acid with similar properties. This amino acid position is conserved. In addition, this alteration is predicted to be tolerated by in silico analysis. Since supporting evidence is limited at this time, the clinical significance of this alteration remains unclear.

NM_177438.3(DICER1):c.3842C>A (p.Pro1281His)

Gene: DICER1 (dicer 1, ribonuclease III; minus strand). Cytogenetic location: 14q32.13.
Variant type: single nucleotide variant.
Coding change: c.3842C>A on transcript NM_177438.3 (MANE Select); coding-DNA position 3842, C replaced by A.
Protein change: p.Pro1281His; replaces proline 1281 with histidine.
Molecular consequence: missense variant. On other transcripts: non-coding transcript variant (6).
Genome position (GRCh38, 1-based): chr14:95,103,554, G>T on the plus strand (C>A on the coding strand, the complement: DICER1 is on the minus strand). VCF-style: chr14-95103554-G-T. GRCh37 (hg19) VCF-style: chr14-95569891-G-T.
Other names: c.3842C>A, p.Pro1281His (NM_001195573.1, NM_001271282.3, NM_001291628.2 and 13 more transcripts); c.3560C>A, p.Pro1187His (NM_001395686.1); c.3437C>A, p.Pro1146His (NM_001395687.1, NM_001395688.1, NM_001395689.1 and 2 more transcripts); c.3275C>A, p.Pro1092His (NM_001395691.1); c.2159C>A, p.Pro720His (NM_001395697.1); short protein forms P1146H, P1187H, P1092H, P1281H, P720H.
Identifiers: ClinVar variation 2586391 (VCV002586391.2), dbSNP rs1306948597, ClinGen allele CA390873328.
Genomic context (GRCh38, chr14:95,103,554, plus strand): 5'-AAAGCCTGAAGAATAAGTCCAGGATTGGGGCCAAGAGTCCTTGAGGAGTACCCAATAGAA[G>T]GGCTCTGCTCAGAATCCATCCTGCCCTTGAGCACTTGAATAGTGTCTGTCGTACCAGGCA-3'
Protein context (NP_803187.1, residues 1271-1291): LKGRMDSEQS[Pro1281His]SIGYSSRTLG